The following is an entry in ClinVar:

ClinVar aggregate classification (germline): Uncertain significance (1 of 4 stars; one submission).

Allele frequency attached by ClinVar (database versions not stated): gnomAD exomes below 0.00001.
gnomAD v4.1: 4 of 1,614,188 alleles (0.00025%); highest among the groups gnomAD compares: South Asian, 0.0011%; no homozygotes.

Submission:

Athena Diagnostics
Classification: Uncertain significance. Last evaluated: 2023-08-17. Review status: criteria provided, single submitter. Criteria: Athena Diagnostics Criteria. Collection method: clinical testing. Allele origin: unknown.
Comment: Available data are insufficient to determine the clinical significance of the variant at this time. This variant has not been reported in large, multi-ethnic general populations. Computational tools yielded predictions that this variant is unlikely to have an effect on normal RNA splicing.

NM_182961.4(SYNE1):c.14910C>T (p.Leu4970=)

Gene: SYNE1 (spectrin repeat containing nuclear envelope protein 1; minus strand). Cytogenetic location: 6q25.2.
Variant type: single nucleotide variant.
Coding change: c.14910C>T on transcript NM_182961.4 (MANE Select); coding-DNA position 14910, C replaced by T.
Protein change: p.Leu4970=; no amino-acid change (leucine 4970 retained).
Molecular consequence: synonymous variant.
Genome position (GRCh38, 1-based): chr6:152,329,775, G>A on the plus strand (C>T on the coding strand, the complement: SYNE1 is on the minus strand). VCF-style: chr6-152329775-G-A. GRCh37 (hg19) VCF-style: chr6-152650910-G-A.
Other names: c.14697C>T, p.Leu4899= (NM_033071.5).
Identifiers: ClinVar variation 2684032 (VCV002684032.1), dbSNP rs2096200697, ClinGen allele CA452970448.